The following is an entry in ClinVar:

ClinVar aggregate classification (germline): Uncertain significance (1 of 4 stars; one submission).

gnomAD v4.1: 1 of 1,614,114 alleles (0.000062%); highest among the groups gnomAD compares: Non-Finnish European, 0.000085%; no homozygotes.

Submission:

Ambry Genetics
Classification: Uncertain significance. Last evaluated: 2024-08-28. Review status: criteria provided, single submitter. Criteria: Ambry Variant Classification Scheme 2023. Collection method: clinical testing. Allele origin: germline.
Comment: The p.A1331P variant (also known as c.3991G>C), located in coding exon 17 of the NPAT gene, results from a G to C substitution at nucleotide position 3991. The alanine at codon 1331 is replaced by proline, an amino acid with highly similar properties. This amino acid position is conserved. In addition, the in silico prediction for this alteration is inconclusive. Based on the available evidence, the clinical significance of this variant remains unclear.

NM_002519.3(NPAT):c.3991G>C (p.Ala1331Pro)

Gene: NPAT (nuclear protein, coactivator of histone transcription; minus strand). Cytogenetic location: 11q22.3.
Variant type: single nucleotide variant.
Coding change: c.3991G>C on transcript NM_002519.3 (MANE Select); coding-DNA position 3991, G replaced by C.
Protein change: p.Ala1331Pro; replaces alanine 1331 with proline.
Molecular consequence: missense variant.
Genome position (GRCh38, 1-based): chr11:108,161,095, C>G on the plus strand (G>C on the coding strand, the complement: NPAT is on the minus strand). VCF-style: chr11-108161095-C-G. GRCh37 (hg19) VCF-style: chr11-108031822-C-G.
Other names: c.4012G>C, p.Ala1338Pro (NM_001321307.1); short protein forms A1338P, A1331P.
Identifiers: ClinVar variation 3407200 (VCV003407200.1).